The following is an entry in ClinVar:

NM_000051.4(ATM):c.332-11T>C

Gene: ATM (ATM serine/threonine kinase; plus strand). Cytogenetic location: 11q22.3.
Variant type: single nucleotide variant.
Coding change: c.332-11T>C on transcript NM_000051.4 (MANE Select); 11 bases into the intron before coding-DNA position 332, T replaced by C.
Molecular consequence: intron variant.
Genome position (GRCh38, 1-based): chr11:108,235,659, T>C. VCF-style: chr11-108235659-T-C. GRCh37 (hg19) VCF-style: chr11-108106386-T-C.
Other names: c.332-11T>C (NM_001351834.2).
Identifiers: ClinVar variation 627809 (VCV000627809.9), dbSNP rs1565356404, ClinGen allele CA913188381.
Genomic context (GRCh38, chr11:108,235,659, plus strand): 5'-ATAGTTGCCATTCCAAGTGTCTTATTTTTGTTCAAATTTATGTTTTTCTTTATTTGTTTA[T>C]TTTGAAATAGGAGCACCTAGGCTAAAATGTCAAGAACTCTTAAATTATATCATGGATACA-3'

ClinVar aggregate classification (germline): Likely benign. Review status: criteria provided, multiple submitters, no conflicts (2 of 4 stars). 3 submissions from 3 submitters: Likely benign (3). Last evaluated 2024-04-18.

Conditions:
Hereditary cancer-predisposing syndrome. Also called: Tumor predisposition; Neoplastic Syndromes, Hereditary; Hereditary Cancer Syndrome; Hereditary neoplastic syndrome. Identifiers: Orphanet 140162, MedGen C0027672, MeSH D009386, MONDO:0015356.
Ataxia-telangiectasia syndrome (AT). Also called: ATAXIA-TELANGIECTASIA, COMPLEMENTATION GROUP A; ATAXIA-TELANGIECTASIA, FRESNO VARIANT; LOUIS-BAR SYNDROME; Ataxia telangiectasia (A-T); Cerebello-oculocutaneous telangiectasia; Immunodeficiency with ataxia telangiectasia. Identifiers: Orphanet 100, MedGen C0004135, MONDO:0008840, OMIM 208900.
Familial cancer of breast. Also called: BREAST CANCER, FAMILIAL; Hereditary breast cancer; hereditary breast carcinoma. Identifiers: Orphanet 227535, MedGen C0346153, MONDO:0016419, OMIM 114480. Disease mechanism: loss of function.

gnomAD v4.1: 1 of 1,594,210 alleles (0.000063%); no homozygotes.

Submissions (3):

Myriad Genetics, Inc.
Classification: Likely benign for Familial cancer of breast. Last evaluated: 2024-04-18. Review status: criteria provided, single submitter. Criteria: Myriad Autosomal Dominant, Autosomal Recessive and X-Linked Classification Criteria (2023). Collection method: clinical testing. Allele origin: unknown.
Comment: This variant is considered likely benign. This variant is intronic and is not expected to impact mRNA splicing.

Labcorp Genetics (formerly Invitae), Labcorp
Classification: Likely benign for Ataxia-telangiectasia syndrome. Last evaluated: 2022-11-13. Review status: criteria provided, single submitter. Criteria: Invitae Variant Classification Sherloc (09022015). Collection method: clinical testing. Allele origin: germline.

Color Diagnostics, LLC DBA Color Health
Classification: Likely benign for Hereditary cancer-predisposing syndrome. Last evaluated: 2017-10-12. Review status: criteria provided, single submitter. Criteria: ACMG Guidelines, 2015. Collection method: clinical testing. Allele origin: germline.